The following is an entry in ClinVar:

NM_001323289.2(CDKL5):c.2165G>A (p.Arg722His)

Gene: CDKL5 (cyclin dependent kinase like 5; plus strand). Cytogenetic location: Xp22.13.
Variant type: single nucleotide variant.
Coding change: c.2165G>A on transcript NM_001323289.2 (MANE Select); coding-DNA position 2165, G replaced by A.
Protein change: p.Arg722His; replaces arginine 722 with histidine.
Molecular consequence: missense variant.
Genome position (GRCh38, 1-based): chrX:18,613,164, G>A. VCF-style: chrX-18613164-G-A. GRCh37 (hg19) VCF-style: chrX-18631284-G-A.
Other names: c.2165G>A, p.Arg722His (NM_001037343.2, NM_003159.3); short protein forms R722H.
Identifiers: ClinVar variation 1303808 (VCV001303808.2), dbSNP rs2147167525, ClinGen allele CA412367868.
Genomic context (GRCh38, chrX:18,613,164, plus strand): 5'-AAAAAAAAAAAGAAAAGTCCATCAGTGACTTACTTTTTCTTTATTCAGTGCCATCTCCAC[G>A]TCCAGACAATTCTTTCCATGAAAATAATGTGTCAACTAGAGTTTCTTCTCTACCATCAGA-3'
Protein context (NP_001310218.1, residues 712-732): VGSFYRVPSP[Arg722His]PDNSFHENNV

ClinVar aggregate classification (germline): Uncertain significance (1 of 4 stars; one submission).

Allele frequency attached by ClinVar (database versions not stated): gnomAD exomes below 0.00001.
gnomAD v4.1: 4 of 1,181,886 alleles (0.00034%); highest among the groups gnomAD compares: African/African-American, 0.0018%; no homozygotes.

Submission:

GeneDx
Classification: Uncertain significance. Last evaluated: 2019-07-08. Review status: criteria provided, single submitter. Criteria: GeneDx Variant Classification Process June 2021. Collection method: clinical testing. Allele origin: germline. Affected: yes.
Comment: Not observed in large population cohorts (Lek et al., 2016); In silico analysis, which includes protein predictors and evolutionary conservation, supports that this variant does not alter protein structure/function; Has not been previously published as pathogenic or benign to our knowledge